The following is an entry in ClinVar:

NM_000702.4(ATP1A2):c.1549A>G (p.Thr517Ala)

Gene: ATP1A2 (ATPase Na+/K+ transporting subunit alpha 2; plus strand). Cytogenetic location: 1q23.2.
Variant type: single nucleotide variant.
Coding change: c.1549A>G on transcript NM_000702.4 (MANE Select); coding-DNA position 1549, A replaced by G.
Protein change: p.Thr517Ala; replaces threonine 517 with alanine.
Molecular consequence: missense variant.
Genome position (GRCh38, 1-based): chr1:160,130,189, A>G. VCF-style: chr1-160130189-A-G. GRCh37 (hg19) VCF-style: chr1-160099979-A-G.
Other names: short protein forms T517A.
Identifiers: ClinVar variation 2862560 (VCV002862560.3), dbSNP rs2524872303, ClinGen allele CA343243234.

ClinVar aggregate classification (germline): Uncertain significance (1 of 4 stars; one submission).

Conditions:
Familial hemiplegic migraine. Identifiers: MedGen C0338484, MONDO:0000700.

Submission:

Labcorp Genetics (formerly Invitae), Labcorp
Classification: Uncertain significance for Familial hemiplegic migraine. Last evaluated: 2023-10-03. Review status: criteria provided, single submitter. Criteria: Invitae Variant Classification Sherloc (09022015). Collection method: clinical testing. Allele origin: germline.
Comment: This sequence change replaces threonine, which is neutral and polar, with alanine, which is neutral and non-polar, at codon 517 of the ATP1A2 protein (p.Thr517Ala). This variant is not present in population databases (gnomAD no frequency). This variant has not been reported in the literature in individuals affected with ATP1A2-related conditions. Advanced modeling of protein sequence and biophysical properties (such as structural, functional, and spatial information, amino acid conservation, physicochemical variation, residue mobility, and thermodynamic stability) performed at Invitae indicates that this missense variant is not expected to disrupt ATP1A2 protein function. In summary, the available evidence is currently insufficient to determine the role of this variant in disease. Therefore, it has been classified as a Variant of Uncertain Significance.